The following is an entry in ClinVar:

ClinVar aggregate classification (germline): Uncertain significance (1 of 4 stars; one submission).

Conditions:
Charcot-Marie-Tooth disease type 1C. Also called: CHARCOT-MARIE-TOOTH NEUROPATHY, TYPE 1C; NEUROPATHY, HEREDITARY MOTOR AND SENSORY, TYPE IC; CHARCOT-MARIE-TOOTH DISEASE, DEMYELINATING, TYPE 1C; CMT, SLOW NERVE CONDUCTION TYPE C; HMSN IC; Charcot-Marie-Tooth disease, type IC. Identifiers: Orphanet 101083, MedGen C0270913, MONDO:0010995, OMIM 601098.

Submission:

Labcorp Genetics (formerly Invitae), Labcorp
Classification: Uncertain significance for Charcot-Marie-Tooth disease type 1C. Last evaluated: 2023-12-16. Review status: criteria provided, single submitter. Criteria: Invitae Variant Classification Sherloc (09022015). Collection method: clinical testing. Allele origin: germline.
Comment: This sequence change replaces tryptophan, which is neutral and slightly polar, with cysteine, which is neutral and slightly polar, at codon 116 of the LITAF protein (p.Trp116Cys). This variant is not present in population databases (gnomAD no frequency). This missense change has been observed in individual(s) with Charcot-Marie-Tooth disease type 1C (PMID: 34311727). It has also been observed to segregate with disease in related individuals. An algorithm developed to predict the effect of missense changes on protein structure and function (PolyPhen-2) suggests that this variant is likely to be disruptive. This variant disrupts the p.Trp116 amino acid residue in LITAF. Other variant(s) that disrupt this residue have been determined to be pathogenic (PMID: 12525712, 15122712, 28211240). This suggests that this residue is clinically significant, and that variants that disrupt this residue are likely to be disease-causing. In summary, the available evidence is currently insufficient to determine the role of this variant in disease. Therefore, it has been classified as a Variant of Uncertain Significance.

Literature cited by the submitters: PubMed 34311727; PubMed 12525712; PubMed 15122712; PubMed 28211240.

NM_001136472.2(LITAF):c.348G>C (p.Trp116Cys)

Gene: LITAF (lipopolysaccharide induced TNF factor; minus strand). Cytogenetic location: 16p13.13.
Variant type: single nucleotide variant.
Coding change: c.348G>C on transcript NM_001136472.2 (MANE Select); coding-DNA position 348, G replaced by C.
Protein change: p.Trp116Cys; replaces tryptophan 116 with cysteine.
Molecular consequence: missense variant. On other transcripts: non-coding transcript variant (1).
Genome position (GRCh38, 1-based): chr16:11,553,562, C>G on the plus strand (G>C on the coding strand, the complement: LITAF is on the minus strand). VCF-style: chr16-11553562-C-G. GRCh37 (hg19) VCF-style: chr16-11647418-C-G.
Other names: c.348G>C, p.Trp116Cys (NM_001136473.1, NM_004862.4); short protein forms W116C.
Identifiers: ClinVar variation 2703497 (VCV002703497.3), dbSNP rs2506596592, ClinGen allele CA394765229.